The following is an entry in ClinVar:

ClinVar aggregate classification (germline): Uncertain significance (1 of 4 stars; one submission).

Allele frequency attached by ClinVar (database versions not stated): TOPMed below 0.00001.
gnomAD v4.1: 5 of 1,211,747 alleles (0.00041%); highest among the groups gnomAD compares: Non-Finnish European, 0.00056%; no homozygotes.

Submission:

GeneDx
Classification: Uncertain significance. Last evaluated: 2023-07-12. Review status: criteria provided, single submitter. Criteria: GeneDx Variant Classification Process June 2021. Collection method: clinical testing. Allele origin: germline. Affected: yes.
Comment: Not observed at significant frequency in large population cohorts (gnomAD); In silico analysis, which includes protein predictors and evolutionary conservation, supports a deleterious effect; Has not been previously published as pathogenic or benign to our knowledge

NM_016120.4(RLIM):c.1094G>A (p.Arg365His)

Gene: RLIM (ring finger protein, LIM domain interacting; minus strand). Cytogenetic location: Xq13.2.
Variant type: single nucleotide variant.
Coding change: c.1094G>A on transcript NM_016120.4 (MANE Select); coding-DNA position 1094, G replaced by A.
Protein change: p.Arg365His; replaces arginine 365 with histidine.
Molecular consequence: missense variant.
Genome position (GRCh38, 1-based): chrX:74,592,221, C>T on the plus strand (G>A on the coding strand, the complement: RLIM is on the minus strand). VCF-style: chrX-74592221-C-T. GRCh37 (hg19) VCF-style: chrX-73812056-C-T.
Other names: c.1094G>A, p.Arg365His (NM_183353.3); short protein forms R365H.
Identifiers: ClinVar variation 1307029 (VCV001307029.3), dbSNP rs2079619261, ClinGen allele CA413660927.
Genomic context (GRCh38, chrX:74,592,221, plus strand): 5'-GGAATTCTGATGGTACTGACATAGGTTCTCACACCTGCCCGCTCAGAACGTGAAAATGTA[C>T]GCCTAAAACCTCCTCGTTCACTTTCATAGGTGACAGTGTTGTTTGGTGTCTGAGACCTAG-3'
Protein context (NP_057204.2, residues 355-375): TYESERGGFR[Arg365His]TFSRSERAGV